The following is an entry in ClinVar:

NM_001128840.3(CACNA1D):c.2582C>T (p.Pro861Leu)

Gene: CACNA1D (calcium voltage-gated channel subunit alpha1 D; plus strand). Cytogenetic location: 3p21.1.
Variant type: single nucleotide variant.
Coding change: c.2582C>T on transcript NM_001128840.3 (MANE Select); coding-DNA position 2582, C replaced by T.
Protein change: p.Pro861Leu; replaces proline 861 with leucine.
Molecular consequence: missense variant.
Genome position (GRCh38, 1-based): chr3:53,732,923, C>T. VCF-style: chr3-53732923-C-T. GRCh37 (hg19) VCF-style: chr3-53766950-C-T.
Other names: c.2642C>T, p.Pro881Leu (NM_000720.4); c.2582C>T, p.Pro861Leu (NM_001128839.3); short protein forms P861L, P881L.
Identifiers: ClinVar variation 1804383 (VCV001804383.1), dbSNP rs2473798003, ClinGen allele CA353241634.

ClinVar aggregate classification (germline): Uncertain significance (1 of 4 stars; one submission).

Submission:

GeneDx
Classification: Uncertain significance. Last evaluated: 2022-06-16. Review status: criteria provided, single submitter. Criteria: GeneDx Variant Classification Process June 2021. Collection method: clinical testing. Allele origin: germline. Affected: yes.
Comment: Not observed at significant frequency in large population cohorts (gnomAD); In silico analysis supports that this missense variant has a deleterious effect on protein structure/function; Has not been previously published as pathogenic or benign to our knowledge